The following is an entry in ClinVar:

ClinVar aggregate classification (germline): Likely pathogenic (0 of 4 stars; one submission).

Conditions:
Pyruvate dehydrogenase E1-alpha deficiency (PDHAD). Also called: ATAXIA, INTERMITTENT, WITH PYRUVATE DEHYDROGENASE DEFICIENCY; ATAXIA WITH LACTIC ACIDOSIS I; ATAXIA, INTERMITTENT, WITH ABNORMAL PYRUVATE METABOLISM; Ataxia, intermittent, with pyruvate dehydrogenase, or decarboxylase, deficiency. Identifiers: Orphanet 79243, MedGen C1839413, MONDO:0010717, OMIM 312170.

Submission:

PDHA1 Study Group, University Children’s Hospital, Paracelsus Medical University
Classification: Likely pathogenic for Pyruvate dehydrogenase E1-alpha deficiency. Last evaluated: 2024-10-15. Review status: no assertion criteria provided. Collection method: research. Allele origin: germline. Affected: yes. Observed: 1 variant allele.
Comment: The NM_000284.3:c.900-16_905dup (p.?) variant affects splicing in PDHA1 gene. Last literature search: July 12, 2024. This variant is absent or extremely rare in population-based cohorts in the Genome Aggregation Database (gnomAD). Individuals harboring this variant presented with clinical features compatible with PDHA1-related PDHc deficiency. In summary, this variant meets criteria to be classified as likely pathogenic (LP) for PDHA1-related PDHc deficiency based on the ACMG/AMP criteria applied: PS3, PM2, PM7, PP3 (last assessment October 15, 2024).

Literature cited by the submitters: DOI 10.1093/brain/awaf430.

NM_000284.4(PDHA1):c.900-15_906dup

Gene: PDHA1 (pyruvate dehydrogenase E1 subunit alpha 1; plus strand). Cytogenetic location: Xp22.12.
Variant type: Duplication.
Coding change: c.900-15_906dup on transcript NM_000284.4 (MANE Select); 15 bases into the intron before coding-DNA position 900 through coding-DNA position 906, 22 bases duplicated (TTTCCCTCCCCATAGTTACCGT).
Molecular consequence: splice acceptor variant.
Genome position (GRCh38, 1-based): chrX:19,358,901-19,358,922, TTTCCCTCCCCATAGTTACCGT duplicated; duplicating any 22 consecutive bases within chrX:19,358,900-19,358,922 gives the same sequence; the c. name uses the placement nearest the transcript's 3' end. VCF-style (leftmost placement, unchanged base first): chrX-19358899-C-CTTTTCCCTCCCCATAGTTACCG. GRCh37 (hg19) VCF-style: chrX-19377017-C-CTTTTCCCTCCCCATAGTTACCG.
Other names: c.1014-15_1020dup (NM_001173454.2); c.921-15_927dup (NM_001173455.2); c.807-15_813dup (NM_001173456.2).
Identifiers: ClinVar variation 4070389 (VCV004070389.1).